The following is an entry in ClinVar:

NM_017654.4(SAMD9):c.2715G>A (p.Leu905=)

Gene: SAMD9 (sterile alpha motif domain containing 9; minus strand). Cytogenetic location: 7q21.2.
Variant type: single nucleotide variant.
Coding change: c.2715G>A on transcript NM_017654.4 (MANE Select); coding-DNA position 2715, G replaced by A.
Protein change: p.Leu905=; no amino-acid change (leucine 905 retained).
Molecular consequence: synonymous variant.
Genome position (GRCh38, 1-based): chr7:93,103,383, C>T on the plus strand (G>A on the coding strand, the complement: SAMD9 is on the minus strand). VCF-style: chr7-93103383-C-T. GRCh37 (hg19) VCF-style: chr7-92732696-C-T.
Other names: c.2715G>A, p.Leu905= (NM_001193307.2).
Identifiers: ClinVar variation 1800848 (VCV001800848.6), dbSNP rs919288120, ClinGen allele CA161991311.
Genomic context (GRCh38, chr7:93,103,383, plus strand): 5'-ATTAAGAAGAGCCAGAAAAGAAAAGAGCTTTGCTTCCTTGGTGAAAATATTCTGCCCTTT[C>T]AGGATATTCCGGACCACATTTTCTATGTATTCTTTATTAAAATTGGTTTTCATGATCATA-3'
Protein context (NP_060124.2, residues 895-915): EYIENVVRNI[Leu905=]KGQNIFTKEA

ClinVar aggregate classification (germline): Conflicting classifications of pathogenicity. Review status: criteria provided, conflicting classifications (1 of 4 stars). 4 submissions from 4 submitters: Uncertain significance (1); Likely benign (3). Last evaluated 2025-02-06.

Conditions:
Inborn genetic diseases. Identifiers: MedGen C0950123, MeSH D030342.

Allele frequency attached by ClinVar (database versions not stated): TOPMed 0.00001; gnomAD 0.00002.
gnomAD v4.1: 5 of 1,613,380 alleles (0.00031%); highest among the groups gnomAD compares: Non-Finnish European, 0.00042%; no homozygotes.

Submissions (4):

Labcorp Genetics (formerly Invitae), Labcorp
Classification: Likely benign. Last evaluated: 2025-02-06. Review status: criteria provided, single submitter. Criteria: Invitae Variant Classification Sherloc (09022015). Collection method: clinical testing. Allele origin: germline.

Ambry Genetics
Classification: Likely benign for Inborn genetic diseases. Last evaluated: 2024-12-12. Review status: criteria provided, single submitter. Criteria: Ambry Variant Classification Scheme 2023. Collection method: clinical testing. Allele origin: germline.

Blueprint Genetics
Classification: Likely benign. Last evaluated: 2023-04-06. Review status: criteria provided, single submitter. Criteria: ACMG Guidelines, 2015. Collection method: clinical testing. Allele origin: germline.

GeneDx
Classification: Uncertain significance. Last evaluated: 2022-05-26. Review status: criteria provided, single submitter. Criteria: GeneDx Variant Classification Process June 2021. Collection method: clinical testing. Allele origin: germline. Affected: yes.
Comment: In silico analysis supports that this variant does not alter splicing; Has not been previously published as pathogenic or benign to our knowledge